The following is an entry in ClinVar:

ClinVar aggregate classification (germline): Uncertain significance (1 of 4 stars; one submission).

Allele frequency attached by ClinVar (database versions not stated): gnomAD exomes below 0.00001; TOPMed below 0.00001; gnomAD 0.00001.
gnomAD v4.1: 6 of 1,614,010 alleles (0.00037%); highest among the groups gnomAD compares: Non-Finnish European, 0.00051%; no homozygotes.

Submission:

Labcorp Genetics (formerly Invitae), Labcorp
Classification: Uncertain significance. Last evaluated: 2021-11-15. Review status: criteria provided, single submitter. Criteria: Invitae Variant Classification Sherloc (09022015). Collection method: clinical testing. Allele origin: germline.
Comment: This sequence change replaces glutamine, which is neutral and polar, with arginine, which is basic and polar, at codon 416 of the ADAMTSL4 protein (p.Gln416Arg). This variant is not present in population databases (gnomAD no frequency). This variant has not been reported in the literature in individuals affected with ADAMTSL4-related conditions. Algorithms developed to predict the effect of missense changes on protein structure and function are either unavailable or do not agree on the potential impact of this missense change (SIFT: "Deleterious"; PolyPhen-2: "Benign"; Align-GVGD: "Class C35"). In summary, the available evidence is currently insufficient to determine the role of this variant in disease. Therefore, it has been classified as a Variant of Uncertain Significance.

NM_019032.6(ADAMTSL4):c.1247A>G (p.Gln416Arg)

Genes: ADAMTSL4 (ADAMTS like 4; plus strand), ADAMTSL4-AS2 (ADAMTSL4 antisense RNA 2; minus strand). Cytogenetic location: 1q21.2.
Variant type: single nucleotide variant.
Coding change: c.1247A>G on transcript NM_019032.6 (MANE Select); coding-DNA position 1247, A replaced by G.
Protein change: p.Gln416Arg; replaces glutamine 416 with arginine.
Molecular consequence: missense variant.
Genome position (GRCh38, 1-based): chr1:150,555,441, A>G. VCF-style: chr1-150555441-A-G. GRCh37 (hg19) VCF-style: chr1-150527917-A-G.
Other names: c.1316A>G, p.Gln439Arg (NM_001288607.2, NM_001288608.2); c.1247A>G, p.Gln416Arg (NM_001378596.1, NM_025008.5); short protein forms Q439R, Q416R.
Identifiers: ClinVar variation 1393479 (VCV001393479.3), dbSNP rs1458294695, ClinGen allele CA342307018.
Genomic context (GRCh38, chr1:150,555,441, plus strand): 5'-ACCTCCCACCAGGGAGCCCACTAACCACCCTTCTACCCTGTCCCTTAGTCCAGGGCTCCC[A>G]GCGCTGTGAACTGAACTGCCGGCCCCGTGGCTTCCGCTTCTATGTCCGTCACACTGAAAA-3'
Protein context (NP_061905.2, residues 406-426): WEPFTEVQGS[Gln416Arg]RCELNCRPRG